The following is an entry in ClinVar:

ClinVar aggregate classification (germline): Uncertain significance (1 of 4 stars; one submission).

Conditions:
Hereditary cancer-predisposing syndrome. Also called: Neoplastic Syndromes, Hereditary; Tumor predisposition; Hereditary Cancer Syndrome; Hereditary neoplastic syndrome. Identifiers: Orphanet 140162, MedGen C0027672, MeSH D009386, MONDO:0015356.

Submission:

Ambry Genetics
Classification: Uncertain significance for Hereditary cancer-predisposing syndrome. Last evaluated: 2024-09-15. Review status: criteria provided, single submitter. Criteria: Ambry Variant Classification Scheme 2023. Collection method: clinical testing. Allele origin: germline.
Comment: The p.D842A variant (also known as c.2525A>C), located in coding exon 15 of the APC gene, results from an A to C substitution at nucleotide position 2525. The aspartic acid at codon 842 is replaced by alanine, an amino acid with dissimilar properties. This amino acid position is conserved. In addition, in silico predictors for this gene do not accurately predict pathogenicity. Based on the available evidence, the clinical significance of this variant remains unclear.

NM_000038.6(APC):c.2525A>C (p.Asp842Ala)

Gene: APC (APC regulator of Wnt signaling pathway; plus strand). Cytogenetic location: 5q22.2.
Variant type: single nucleotide variant.
Coding change: c.2525A>C on transcript NM_000038.6 (MANE Select); coding-DNA position 2525, A replaced by C.
Protein change: p.Asp842Ala; replaces aspartic acid 842 with alanine.
Molecular consequence: missense variant. On other transcripts: non-coding transcript variant (2).
Genome position (GRCh38, 1-based): chr5:112,838,119, A>C. VCF-style: chr5-112838119-A-C. GRCh37 (hg19) VCF-style: chr5-112173816-A-C.
Other names: c.2525A>C, p.Asp842Ala (NM_001127510.3, NM_001354895.2, NM_001407450.1); c.2471A>C, p.Asp824Ala (NM_001127511.3); c.2579A>C, p.Asp860Ala (NM_001354896.2, NM_001407447.1, NM_001407448.1 and 1 more transcripts); c.2555A>C, p.Asp852Ala (NM_001354897.2); c.2450A>C, p.Asp817Ala (NM_001354898.2); c.2441A>C, p.Asp814Ala (NM_001354899.2); c.2402A>C, p.Asp801Ala (NM_001354900.2); c.2348A>C, p.Asp783Ala (NM_001354901.2, NM_001407453.1); and 11 more; short protein forms D559A, D741A, D783A, D824A, D835A, D852A, D458A, D682A.
Identifiers: ClinVar variation 3411066 (VCV003411066.1).